The following is an entry in ClinVar:

ClinVar aggregate classification (germline): Pathogenic. Review status: reviewed by expert panel (3 of 4 stars). 2 submissions from 2 submitters: Pathogenic (1). 1 of the submissions does not count toward it. Last evaluated 2016-09-08.

Conditions:
Breast-ovarian cancer, familial, susceptibility to, 2 (BROVCA2). Also called: BRCA2 Hereditary Breast and Ovarian Cancer. Identifiers: Orphanet 145, MedGen C2675520, MONDO:0012933, OMIM 612555. Disease mechanism: loss of function.

Submissions (2):

Evidence-based Network for the Interpretation of Germline Mutant Alleles (ENIGMA)
Classification: Pathogenic for Breast-ovarian cancer, familial, susceptibility to, 2. Last evaluated: 2016-09-08. Review status: reviewed by expert panel. Criteria: ENIGMA BRCA1/2 Classification Criteria (2015). Collection method: curation. Allele origin: germline.
Comment: Variant allele predicted to encode a truncated non-functional protein.

Breast Cancer Information Core (BIC) (BRCA2)
Classification: Pathogenic for Breast-ovarian cancer, familial 2. Last evaluated: 2003-12-23. Review status: no assertion criteria provided. Collection method: clinical testing. Allele origin: germline. Affected: yes. Observed: 1 variant allele. Not counted in ClinVar's aggregate classification.

NM_000059.4(BRCA2):c.4933A>T (p.Lys1645Ter)

Gene: BRCA2 (BRCA2 DNA repair associated; plus strand). Cytogenetic location: 13q13.1.
Variant type: single nucleotide variant.
Coding change: c.4933A>T on transcript NM_000059.4 (MANE Select); coding-DNA position 4933, A replaced by T.
Protein change: p.Lys1645Ter; replaces lysine 1645 with a stop codon.
Molecular consequence: nonsense.
Genome position (GRCh38, 1-based): chr13:32,339,288, A>T. VCF-style: chr13-32339288-A-T. GRCh37 (hg19) VCF-style: chr13-32913425-A-T.
Other names: short protein forms K1645*.
Identifiers: ClinVar variation 51744 (VCV000051744.2), dbSNP rs80358719, ClinGen allele CA021026.